The following is an entry in ClinVar:

ClinVar aggregate classification (germline): Conflicting classifications of pathogenicity. Review status: criteria provided, conflicting classifications (1 of 4 stars). 8 submissions from 8 submitters: Uncertain significance (4); Likely benign (3). 1 of the submissions does not count toward it. Last evaluated 2026-01-25.

Conditions:
PLA2G6-related disorder. Also called: PLA2G6-related condition.
Autosomal recessive Parkinson disease 14. Also called: DYSTONIA-PARKINSONISM, ADULT-ONSET; PARKINSON DISEASE 14. Identifiers: Orphanet 199351, MedGen C2751842, MONDO:0013060, OMIM 612953.
Infantile neuroaxonal dystrophy (NBIA2A). Also called: Infantile neuroaxonal dystrophy 1; NEURODEGENERATION WITH BRAIN IRON ACCUMULATION 2A; SEITELBERGER DISEASE. Identifiers: Orphanet 35069, MedGen C0270724, MONDO:0024457, OMIM 256600.
Neurodegeneration with brain iron accumulation 2B. Also called: aNAD; atypical Neuroaxonal Dystrophy (aNAD); NEUROAXONAL DYSTROPHY, ATYPICAL; NEURODEGENERATION WITH BRAIN IRON ACCUMULATION, PLA2G6-RELATED. Identifiers: Orphanet 35069, MedGen C1857747, MONDO:0012444, OMIM 610217.
PLA2G6-associated neurodegeneration (PLAN). Also called: phospholipase A2-associated neurodegeneration. Identifiers: Orphanet 329303, MedGen CN204472, MONDO:0017998.

Allele frequency attached by ClinVar (database versions not stated): gnomAD 0.00038; TOPMed 0.00051; gnomAD exomes 0.00057; ESP Exome Variant Server 0.00062; ExAC 0.00089.
gnomAD v4.1: 867 of 1,606,030 alleles (0.054%); highest among the groups gnomAD compares: Non-Finnish European, 0.059%; 1 homozygote.

Submissions (8):

Labcorp Genetics (formerly Invitae), Labcorp
Classification: Likely benign for Infantile neuroaxonal dystrophy. Last evaluated: 2026-01-25. Review status: criteria provided, single submitter. Criteria: Invitae Variant Classification Sherloc (09022015). Collection method: clinical testing. Allele origin: germline.

Mayo Clinic Laboratories, Mayo Clinic
Classification: Likely benign. Last evaluated: 2025-06-17. Review status: criteria provided, single submitter. Criteria: ACMG Guidelines, 2015. Collection method: clinical testing. Allele origin: germline. Observed: 6 variant alleles.
Comment: BS1, BP4

Athena Diagnostics
Classification: Likely benign. Last evaluated: 2024-03-04. Review status: criteria provided, single submitter. Criteria: Athena Diagnostics Criteria. Collection method: clinical testing. Allele origin: unknown.

CeGaT Center for Human Genetics Tuebingen
Classification: Uncertain significance. Last evaluated: 2023-07-01. Review status: criteria provided, single submitter. Criteria: CeGaT Center For Human Genetics Tuebingen Variant Classification Criteria Version 2. Collection method: clinical testing. Allele origin: germline. Affected: yes. Observed: 4 variant alleles.
Comment: PLA2G6: PM2, BP4

Fulgent Genetics
Classification: Uncertain significance for Infantile neuroaxonal dystrophy; Neurodegeneration with brain iron accumulation 2B; Autosomal recessive Parkinson disease 14. Last evaluated: 2018-10-31. Review status: criteria provided, single submitter. Criteria: ACMG Guidelines, 2015. Collection method: clinical testing. Allele origin: unknown.

Illumina Laboratory Services, Illumina
Classification: Uncertain significance for PLA2G6-associated neurodegeneration. Last evaluated: 2018-01-12. Review status: criteria provided, single submitter. Criteria: ICSL Variant Classification Criteria 13 December 2019. Collection method: clinical testing. Allele origin: germline.

GeneDx
Classification: Uncertain significance. Last evaluated: 2017-04-27. Review status: criteria provided, single submitter. Criteria: GeneDx Variant Classification (06012015). Collection method: clinical testing. Allele origin: germline. Affected: yes.
Comment: The R139H variant in the PLA2G6 gene has not been reported previously as a pathogenic variant, nor as a benign variant, to our knowledge. The R139H variant is observed in 60/41988 (0.14%) alleles from individuals of non-Finnish European background in the ExAC dataset, and no individuals were reported to be homozygous (Lek et al., 2016). The R139H variant is a conservative amino acid substitution, which is not likely to impact secondary protein structure as these residues share similar properties. This substitution occurs at a position that is not conserved. In silico analysis is inconsistent in its predictions as to whether or not the variant is damaging to the protein structure/function. We interpret R139H as a variant of uncertain significance.

PreventionGenetics, part of Exact Sciences
Classification: Likely benign for PLA2G6-related condition. Last evaluated: 2022-03-25. Review status: no assertion criteria provided. Collection method: clinical testing. Allele origin: germline. Not counted in ClinVar's aggregate classification.
Comment: This variant is classified as likely benign based on ACMG/AMP sequence variant interpretation guidelines (Richards et al. 2015 PMID: 25741868, with internal and published modifications).

Literature cited by the submitters: PubMed 36499697 (cited by Mayo Clinic Laboratories, Mayo Clinic and Athena Diagnostics).

NM_003560.4(PLA2G6):c.416G>A (p.Arg139His)

Gene: PLA2G6 (phospholipase A2 group VI; minus strand). Cytogenetic location: 22q13.1.
Variant type: single nucleotide variant.
Coding change: c.416G>A on transcript NM_003560.4 (MANE Select); coding-DNA position 416, G replaced by A.
Protein change: p.Arg139His; replaces arginine 139 with histidine.
Molecular consequence: missense variant. On other transcripts: 5 prime UTR variant (3).
Genome position (GRCh38, 1-based): chr22:38,145,447, C>T on the plus strand (G>A on the coding strand, the complement: PLA2G6 is on the minus strand). VCF-style: chr22-38145447-C-T. GRCh37 (hg19) VCF-style: chr22-38541454-C-T.
Other names: p.Arg139His; c.416G>A, p.Arg139His (NM_001004426.3, NM_001199562.3, NM_001349864.2 and 2 more transcripts); c.-119G>A (NM_001349867.2, NM_001349869.2); c.-75G>A (NM_001349868.2); short protein forms R139H.
Identifiers: ClinVar variation 426191 (VCV000426191.62), dbSNP rs141825182, ClinGen allele CA10231275.